The following is an entry in ClinVar:

NM_002230.4(JUP):c.654del (p.Leu219fs)

Gene: JUP (junction plakoglobin; minus strand). Cytogenetic location: 17q21.2.
Variant type: Deletion.
Coding change: c.654del on transcript NM_002230.4 (MANE Select); coding-DNA position 654, one base deleted (G; older notation c.654delG).
Protein change: p.Leu219fs; shifts the reading frame from leucine 219.
Molecular consequence: frameshift variant.
Genome position (GRCh38, 1-based): chr17:41,769,022, C deleted on the plus strand (G on the coding strand, the reverse complement: JUP is on the minus strand); the first of 4 consecutive C bases (chr17:41,769,022-41,769,025); deleting any one gives the same sequence. VCF-style (leftmost placement, unchanged base first): chr17-41769021-GC-G. GRCh37 (hg19) VCF-style: chr17-39925273-GC-G.
Other names: c.654del, p.Leu219fs (NM_001352773.2, NM_001352774.2, NM_001352775.2 and 3 more transcripts); short protein forms L219fs.
Identifiers: ClinVar variation 1407835 (VCV001407835.6), dbSNP rs2143680611, ClinGen allele CA2573153774.

ClinVar aggregate classification (germline): Pathogenic (1 of 4 stars; one submission).

Conditions:
Arrhythmogenic right ventricular dysplasia 12. Also called: ARRHYTHMOGENIC RIGHT VENTRICULAR DYSPLASIA, FAMILIAL, 12. Identifiers: MedGen C1969081, MONDO:0012684, OMIM 611528.
Naxos disease (NXD). Also called: PALMOPLANTAR KERATODERMA WITH ARRHYTHMOGENIC RIGHT VENTRICULAR CARDIOMYOPATHY AND WOOLLY HAIR; WOOLLY HAIR, PALMOPLANTAR KERATODERMA, AND CARDIAC ABNORMALITIES; KERATOSIS PALMOPLANTARIS WITH ARRHYTHMOGENIC CARDIOMYOPATHY; MAL DE NAXOS; CARDIOMYOPATHY, ARRHYTHMOGENIC RIGHT VENTRICULAR, WITH SKIN, HAIR, AND NAIL ABNORMALITIES. Identifiers: Orphanet 34217, MedGen C1832600, MONDO:0011017, OMIM 601214.

Submission:

Labcorp Genetics (formerly Invitae), Labcorp
Classification: Pathogenic for Arrhythmogenic right ventricular dysplasia 12; Naxos disease. Last evaluated: 2024-07-17. Review status: criteria provided, single submitter. Criteria: Invitae Variant Classification Sherloc (09022015). Collection method: clinical testing. Allele origin: germline.
Comment: This sequence change creates a premature translational stop signal (p.Leu219Cysfs*86) in the JUP gene. It is expected to result in an absent or disrupted protein product. Loss-of-function variants in JUP are known to be pathogenic (PMID: 10902626). This variant is not present in population databases (gnomAD no frequency). This variant has not been reported in the literature in individuals affected with JUP-related conditions. ClinVar contains an entry for this variant (Variation ID: 1407835). For these reasons, this variant has been classified as Pathogenic.

Literature cited by the submitters: PubMed 10902626.